The following is an entry in ClinVar:

ClinVar aggregate classification (germline): Uncertain significance (0 of 4 stars; one submission).

Conditions:
PCNT-related disorder. Also called: PCNT-related condition.

gnomAD v4.1: 1 of 1,613,964 alleles (0.000062%); highest among the groups gnomAD compares: Non-Finnish European, 0.000085%; no homozygotes.

Submission:

PreventionGenetics, part of Exact Sciences
Classification: Uncertain significance for PCNT-related condition. Last evaluated: 2023-10-23. Review status: no assertion criteria provided. Collection method: clinical testing. Allele origin: germline.
Comment: The PCNT c.9274-5T>C variant is predicted to interfere with splicing. To our knowledge, this variant has not been reported in the literature or in a large population database, indicating this variant is rare. At this time, the clinical significance of this variant is uncertain due to the absence of conclusive functional and genetic evidence.

NM_006031.6(PCNT):c.9274-5T>C

Gene: PCNT (pericentrin; plus strand). Cytogenetic location: 21q22.3.
Variant type: single nucleotide variant.
Coding change: c.9274-5T>C on transcript NM_006031.6 (MANE Select); 5 bases into the intron before coding-DNA position 9274, T replaced by C.
Molecular consequence: intron variant.
Genome position (GRCh38, 1-based): chr21:46,440,078, T>C. VCF-style: chr21-46440078-T-C. GRCh37 (hg19) VCF-style: chr21-47859991-T-C.
Other names: c.8683-5T>C (NM_001315529.2).
Identifiers: ClinVar variation 3348006 (VCV003348006.1).
Genomic context (GRCh38, chr21:46,440,078, plus strand): 5'-GCGTCTCTAAGATGCTCTTGTTGACGAGCAGCTCTGTAGACAGCGCTGGCTGTGCTTCCT[T>C]ACAGAGGTCGGAAAGGTCTGCTTGGAAGCCAGACGAAACGGCTCCACAGAGTTCCCTGAG-3'